The following is an entry in ClinVar:

ClinVar aggregate classification (germline): Pathogenic. Review status: criteria provided, multiple submitters, no conflicts (2 of 4 stars). 4 submissions from 4 submitters: Pathogenic (3). 1 of the submissions does not count toward it. Last evaluated 2026-01-23.

Conditions:
SERPINA1-related disorder. Also called: SerpinA1-related disorders; SERPINA1-related condition.
Alpha-1-antitrypsin deficiency (A1ATD). Also called: AAT deficiency; A1AT deficiency; Alpha1-Antitrypsin Deficiency. Identifiers: Orphanet 60, MedGen C0221757, MONDO:0013282, OMIM 613490.

Submissions (4):

PreventionGenetics, part of Exact Sciences
Classification: Pathogenic for SERPINA1-related condition. Last evaluated: 2026-01-23. Review status: criteria provided, single submitter. Criteria: ACMG Guidelines, 2015. Collection method: clinical testing. Allele origin: germline.
Comment: The SERPINA1 c.1158dupC variant is predicted to result in a frameshift and premature protein termination (p.Glu387Argfs*14). This variant has been reported to be causative for autosomal recessive alpha-1-antitrypsin deficiency (referred to as PI*Q0saarbruecken allele, Faber et al. 1994. PubMed ID: 7977369; referred to as QOclayton allele, Brantly et al. 1997. PubMed ID: 9070606; Ko et al. 2011. PubMed ID: 22016686). This variant is reported in 0.0052% of alleles in individuals of East Asian descent in gnomAD. Frameshift variants in SERPINA1 are expected to be pathogenic. This variant is interpreted as pathogenic.

Labcorp Genetics (formerly Invitae), Labcorp
Classification: Pathogenic for Alpha-1-antitrypsin deficiency. Last evaluated: 2025-06-20. Review status: criteria provided, single submitter. Criteria: Invitae Variant Classification Sherloc (09022015). Collection method: clinical testing. Allele origin: germline.
Comment: This sequence change creates a premature translational stop signal (p.Glu387Argfs*14) in the SERPINA1 gene. While this is not anticipated to result in nonsense mediated decay, it is expected to disrupt the last 32 amino acid(s) of the SERPINA1 protein. This variant is present in population databases (rs764325655, gnomAD 0.006%). This premature translational stop signal has been observed in individuals with alpha-1-antitrypsin deficiency (AATD) (PMID: 7977369, 9070606, 11334395, 22016686). ClinVar contains an entry for this variant (Variation ID: 188845). Algorithms developed to predict the effect of variants on gene product structure and function are not available or were not evaluated for this variant. Experimental studies have shown that this premature translational stop signal affects SERPINA1 function (PMID: 9070606). For these reasons, this variant has been classified as Pathogenic.

Blueprint Genetics
Classification: Pathogenic for SERPINA1-related disorders. Last evaluated: 2023-11-24. Review status: criteria provided, single submitter. Criteria: ACMG Guidelines, 2015. Collection method: clinical testing. Allele origin: germline. Affected: yes. Observed: 5 variant alleles.

Counsyl
Classification: Likely pathogenic for Alpha-1-antitrypsin deficiency. Last evaluated: 2014-06-21. Review status: no assertion criteria provided. Collection method: literature only. Allele origin: unknown. Inheritance: Autosomal recessive inheritance. Not counted in ClinVar's aggregate classification.

Literature cited by the submitters: PubMed 7977369 (cited by Labcorp Genetics (formerly Invitae), Labcorp and Counsyl); PubMed 9070606 (cited by Labcorp Genetics (formerly Invitae), Labcorp and Counsyl); PubMed 11334395 (cited by Labcorp Genetics (formerly Invitae), Labcorp and Counsyl); PubMed 22016686 (cited by Labcorp Genetics (formerly Invitae), Labcorp and Counsyl).

NM_000295.5(SERPINA1):c.1158dup (p.Glu387fs)

Gene: SERPINA1 (serpin family A member 1; minus strand). Cytogenetic location: 14q32.13.
Variant type: Duplication.
Coding change: c.1158dup on transcript NM_000295.5 (MANE Select); coding-DNA position 1158, one base duplicated (C; older notation c.1158dupC).
Protein change: p.Glu387fs; shifts the reading frame from glutamic acid 387.
Molecular consequence: frameshift variant.
Genome position (GRCh38, 1-based): chr14:94,378,548, G duplicated on the plus strand (C on the coding strand, the reverse complement: SERPINA1 is on the minus strand); the first of 7 consecutive G bases (chr14:94,378,548-94,378,554); duplicating any one gives the same sequence. VCF-style (leftmost placement, unchanged base first): chr14-94378547-C-CG. GRCh37 (hg19) VCF-style: chr14-94844884-C-CG.
Other names: c.1158dup, p.Glu387fs (NM_001002235.3, NM_001002236.3, NM_001127700.2 and 7 more transcripts); short protein forms E387fs.
Identifiers: ClinVar variation 188845 (VCV000188845.15), dbSNP rs764325655, ClinGen allele CA274031.